The following is an entry in ClinVar:

NM_000222.3(KIT):c.498C>A (p.Pro166=)

Gene: KIT (KIT proto-oncogene, receptor tyrosine kinase; plus strand). Cytogenetic location: 4q12.
Variant type: single nucleotide variant.
Coding change: c.498C>A on transcript NM_000222.3 (MANE Select); coding-DNA position 498, C replaced by A.
Protein change: p.Pro166=; no amino-acid change (proline 166 retained).
Molecular consequence: synonymous variant.
Genome position (GRCh38, 1-based): chr4:54,698,444, C>A. VCF-style: chr4-54698444-C-A. GRCh37 (hg19) VCF-style: chr4-55564610-C-A.
Other names: c.498C>A, p.Pro166= (NM_001093772.2, NM_001385284.1, NM_001385285.1 and 4 more transcripts).
Identifiers: ClinVar variation 4875863 (VCV004875863.1).
Genomic context (GRCh38, chr4:54,698,444, plus strand): 5'-TTCCCTCAAGGGGTGCCAGGGGAAGCCTCTTCCCAAGGACTTGAGGTTTATTCCTGACCC[C>A]AAGGCGGGCATCATGATCAAAAGTGTGAAACGCGCCTACCATCGGCTCTGTCTGCATTGT-3'
Protein context (NP_000213.1, residues 156-176): LPKDLRFIPD[Pro166=]KAGIMIKSVK

ClinVar aggregate classification (germline): Benign (1 of 4 stars; one submission).

Conditions:
Gastrointestinal stromal tumor. Also called: Gastrointestinal stromal tumor, somatic; Gastrointestinal stroma tumor. Identifiers: Orphanet 44890, MedGen C0238198, MeSH D046152, MONDO:0011719, OMIM 606764, HP:0100723.

Submission:

Myriad Genetics, Inc.
Classification: Benign for Gastrointestinal stromal tumor. Last evaluated: 2026-06-03. Review status: criteria provided, single submitter. Criteria: Myriad Autosomal Dominant, Autosomal Recessive and X-Linked Classification Criteria (2023). Collection method: clinical testing. Allele origin: unknown.
Comment: This variant is considered benign. This variant is a silent/synonymous amino acid change and it is not expected to impact splicing.